The following is an entry in ClinVar:

NM_002755.3(MAP2K1):c.-695A>T

Genes: MAP2K1 (mitogen-activated protein kinase kinase 1; plus strand), TIPIN (TIMELESS interacting protein; minus strand), LOC130057338 (ATAC-STARR-seq lymphoblastoid active region 9612; plus strand). Cytogenetic location: 15q22.31.
Variant type: single nucleotide variant.
Coding change: c.-695A>T on transcript NM_002755.3; 695 bases upstream of the start codon, A replaced by T.
Molecular consequence: 5 prime UTR variant (on NM_001398281.1).
Genome position (GRCh38, 1-based): chr15:66,386,653, A>T. VCF-style: chr15-66386653-A-T. GRCh37 (hg19) VCF-style: chr15-66678991-A-T.
Other names: c.-12T>A (NM_001398281.1); c.-55T>A (NM_001398283.1); c.-239T>A (NM_001398285.1); c.-282T>A (NM_001398286.1).
Identifiers: ClinVar variation 561873 (VCV000561873.3), dbSNP rs11631295, ClinGen allele CA14147266.

ClinVar aggregate classification (germline): Benign (1 of 4 stars; one submission).

Allele frequency attached by ClinVar (database versions not stated): 1000 Genomes Project 0.08466; gnomAD 0.11840 and 0.11729; 1000 Genomes Project 30x 0.08682; TOPMed 0.11556.
gnomAD v4.1: 20,826 of 176,038 alleles (12%); highest among the groups gnomAD compares: Non-Finnish European, 15%; 1,332 homozygotes.

Submission:

GeneDx
Classification: Benign. Last evaluated: 2018-06-14. Review status: criteria provided, single submitter. Criteria: GeneDx Variant Classification (06012015). Collection method: clinical testing. Allele origin: germline. Affected: yes.
Comment: This variant is considered likely benign or benign based on one or more of the following criteria: it is a conservative change, it occurs at a poorly conserved position in the protein, it is predicted to be benign by multiple in silico algorithms, and/or has population frequency not consistent with disease.